The following is an entry in ClinVar:

ClinVar aggregate classification (germline): Uncertain significance (1 of 4 stars; one submission).

Conditions:
Hereditary cancer-predisposing syndrome. Also called: Neoplastic Syndromes, Hereditary; Tumor predisposition; Hereditary Cancer Syndrome; Hereditary neoplastic syndrome. Identifiers: Orphanet 140162, MedGen C0027672, MeSH D009386, MONDO:0015356.

Submission:

Ambry Genetics
Classification: Uncertain significance for Hereditary cancer-predisposing syndrome. Last evaluated: 2025-12-07. Review status: criteria provided, single submitter. Criteria: Ambry Variant Classification Scheme 2023. Collection method: clinical testing. Allele origin: germline.
Comment: The p.P67A variant (also known as c.199C>G), located in coding exon 1 of the HOXB13 gene, results from a C to G substitution at nucleotide position 199. The proline at codon 67 is replaced by alanine, an amino acid with highly similar properties. This amino acid position is conserved. In addition, this alteration is predicted to be tolerated by in silico analysis. Based on the available evidence, the clinical significance of this variant remains unclear.

NM_006361.6(HOXB13):c.199C>G (p.Pro67Ala)

Gene: HOXB13 (homeobox B13; minus strand). Cytogenetic location: 17q21.32.
Variant type: single nucleotide variant.
Coding change: c.199C>G on transcript NM_006361.6 (MANE Select); coding-DNA position 199, C replaced by G.
Protein change: p.Pro67Ala; replaces proline 67 with alanine.
Molecular consequence: missense variant.
Genome position (GRCh38, 1-based): chr17:48,728,395, G>C on the plus strand (C>G on the coding strand, the complement: HOXB13 is on the minus strand). VCF-style: chr17-48728395-G-C. GRCh37 (hg19) VCF-style: chr17-46805757-G-C.
Other names: short protein forms P67A.
Identifiers: ClinVar variation 4644209 (VCV004644209.1).